The following is an entry in ClinVar:

NM_001374736.1(DST):c.22798A>G (p.Ile7600Val)

Gene: DST (dystonin; minus strand). Cytogenetic location: 6p12.1.
Variant type: single nucleotide variant.
Coding change: c.22798A>G on transcript NM_001374736.1 (MANE Select); coding-DNA position 22798, A replaced by G.
Protein change: p.Ile7600Val; replaces isoleucine 7600 with valine.
Molecular consequence: missense variant.
Genome position (GRCh38, 1-based): chr6:56,463,726, T>C on the plus strand (A>G on the coding strand, the complement: DST is on the minus strand). VCF-style: chr6-56463726-T-C. GRCh37 (hg19) VCF-style: chr6-56328524-T-C.
Other names: c.16369A>G, p.Ile5457Val (NM_001144769.5); c.15955A>G, p.Ile5319Val (NM_001144770.2); c.22726A>G, p.Ile7576Val (NM_001374722.1); c.21838A>G, p.Ile7280Val (NM_001374729.1); c.15580A>G, p.Ile5194Val (NM_001374730.1); c.22753A>G, p.Ile7585Val (NM_001374734.1); c.15817A>G, p.Ile5273Val (NM_001386100.1); c.14857A>G, p.Ile4953Val (NM_015548.5); and 1 more; short protein forms I4953V, I5194V, I5457V, I7585V, I7600V, I5279V, I7576V, I5273V.
Identifiers: ClinVar variation 1366219 (VCV001366219.3), dbSNP rs771980526, ClinGen allele CA3866139.

ClinVar aggregate classification (germline): Uncertain significance (1 of 4 stars; one submission).

Conditions:
Hereditary sensory and autonomic neuropathy type 6. Also called: HSAN VI; Neuropathy, hereditary sensory and autonomic, type VI. Identifiers: Orphanet 314381, MedGen C3539003, MONDO:0013839, OMIM 614653.
Epidermolysis bullosa simplex 3, localized or generalized intermediate, with BP230 deficiency (EBS3). Also called: Epidermolysis bullosa simplex due to BP230 deficiency; Epidermolysis bullosa simplex, autosomal recessive 2. Identifiers: Orphanet 412181, MedGen C3809470, MONDO:0014180, OMIM 615425.

Allele frequency attached by ClinVar (database versions not stated): ExAC 0.00001.

Submission:

Labcorp Genetics (formerly Invitae), Labcorp
Classification: Uncertain significance for Epidermolysis bullosa simplex 3, localized or generalized intermediate, with BP230 deficiency; Hereditary sensory and autonomic neuropathy type 6. Last evaluated: 2021-07-07. Review status: criteria provided, single submitter. Criteria: Invitae Variant Classification Sherloc (09022015). Collection method: clinical testing. Allele origin: germline.
Comment: This sequence change replaces isoleucine with valine at codon 4953 of the DST protein (p.Ile4953Val). The DST gene has multiple clinically relevant transcripts. This variant occurs in alternate transcript NM_015548.4, and corresponds to NM_001723.5:c.*151791A>G in the primary transcript. This variant is present in population databases (rs771980526, ExAC 0.001%). This variant has not been reported in the literature in individuals affected with DST-related conditions. Experimental studies and prediction algorithms are not available or were not evaluated, and the effect of this variant on mRNA splicing is currently unknown. In summary, the available evidence is currently insufficient to determine the role of this variant in disease. Therefore, it has been classified as a Variant of Uncertain Significance.